The following is an entry in ClinVar:

NM_000222.3(KIT):c.1655T>G (p.Met552Arg)

Gene: KIT (KIT proto-oncogene, receptor tyrosine kinase; plus strand). Cytogenetic location: 4q12.
Variant type: single nucleotide variant.
Coding change: c.1655T>G on transcript NM_000222.3 (MANE Select); coding-DNA position 1655, T replaced by G.
Protein change: p.Met552Arg; replaces methionine 552 with arginine.
Molecular consequence: missense variant.
Genome position (GRCh38, 1-based): chr4:54,727,423, T>G. VCF-style: chr4-54727423-T-G. GRCh37 (hg19) VCF-style: chr4-55593589-T-G.
Other names: c.1643T>G, p.Met548Arg (NM_001093772.2, NM_001385286.1); c.1658T>G, p.Met553Arg (NM_001385284.1, NM_001385290.1); c.1655T>G, p.Met552Arg (NM_001385285.1); c.1646T>G, p.Met549Arg (NM_001385288.1, NM_001385292.1); short protein forms M553R, M548R, M549R, M552R.
Identifiers: ClinVar variation 1777346 (VCV001777346.3), dbSNP rs746805825, ClinGen allele CA356907430.

ClinVar aggregate classification (germline): Uncertain significance (1 of 4 stars; one submission).

Conditions:
Hereditary cancer-predisposing syndrome. Also called: Neoplastic Syndromes, Hereditary; Tumor predisposition; Hereditary Cancer Syndrome; Hereditary neoplastic syndrome. Identifiers: Orphanet 140162, MedGen C0027672, MeSH D009386, MONDO:0015356.

Submission:

Ambry Genetics
Classification: Uncertain significance for Hereditary cancer-predisposing syndrome. Last evaluated: 2024-03-25. Review status: criteria provided, single submitter. Criteria: Ambry Variant Classification Scheme 2023. Collection method: clinical testing. Allele origin: germline.
Comment: The p.M552R variant (also known as c.1655T>G), located in coding exon 11 of the KIT gene, results from a T to G substitution at nucleotide position 1655. The methionine at codon 552 is replaced by arginine, an amino acid with similar properties. This amino acid position is conserved. In addition, the in silico prediction for this alteration is inconclusive. Based on the available evidence, the clinical significance of this alteration remains unclear.